The following is an entry in ClinVar:

NM_002547.3(OPHN1):c.127G>C (p.Gly43Arg)

Gene: OPHN1 (oligophrenin 1; minus strand). Cytogenetic location: Xq12.
Variant type: single nucleotide variant.
Coding change: c.127G>C on transcript NM_002547.3 (MANE Select); coding-DNA position 127, G replaced by C.
Protein change: p.Gly43Arg; replaces glycine 43 with arginine.
Molecular consequence: missense variant.
Genome position (GRCh38, 1-based): chrX:68,432,894, C>G on the plus strand (G>C on the coding strand, the complement: OPHN1 is on the minus strand). VCF-style: chrX-68432894-C-G. GRCh37 (hg19) VCF-style: chrX-67652736-C-G.
Other names: short protein forms G43R.
Identifiers: ClinVar variation 2692527 (VCV002692527.1), dbSNP rs2519721892, ClinGen allele CA413435003.
Genomic context (GRCh38, chrX:68,432,894, plus strand): 5'-CAGAGAAACAGCTCATCGAAGCCTTGCACTTACTTCTCATAGCGCTGATAAGCGCGTTGC[C>G]GTCTTTGATTACGTCTTTGATGAATTTGTTGGTCCTCTCCAGTTCCTGCTCATAACACTT-3'
Protein context (NP_002538.1, residues 33-53): NKFIKDVIKD[Gly43Arg]NALISAMRNY

ClinVar aggregate classification (germline): Uncertain significance (1 of 4 stars; one submission).

Submission:

Greenwood Genetic Center Diagnostic Laboratories, Greenwood Genetic Center
Classification: Uncertain significance. Last evaluated: 2023-12-22. Review status: criteria provided, single submitter. Criteria: ACMG Guidelines, 2015. Collection method: clinical testing. Allele origin: germline. Affected: yes.
Comment: PM2